The following is an entry in ClinVar:

NM_005188.4(CBL):c.2279C>T (p.Ala760Val)

Gene: CBL (Cbl proto-oncogene; plus strand). Cytogenetic location: 11q23.3.
Variant type: single nucleotide variant.
Coding change: c.2279C>T on transcript NM_005188.4 (MANE Select); coding-DNA position 2279, C replaced by T.
Protein change: p.Ala760Val; replaces alanine 760 with valine.
Molecular consequence: missense variant.
Genome position (GRCh38, 1-based): chr11:119,298,385, C>T. VCF-style: chr11-119298385-C-T. GRCh37 (hg19) VCF-style: chr11-119169095-C-T.
Other names: short protein forms A760V.
Identifiers: ClinVar variation 4219830 (VCV004219830.1).

ClinVar aggregate classification (germline): Uncertain significance (1 of 4 stars; one submission).

Conditions:
Cardiovascular phenotype. Identifiers: MedGen CN230736.

Submission:

Ambry Genetics
Classification: Uncertain significance for Cardiovascular phenotype. Last evaluated: 2025-08-30. Review status: criteria provided, single submitter. Criteria: Ambry Variant Classification Scheme 2023. Collection method: clinical testing. Allele origin: germline.
Comment: The p.A760V variant (also known as c.2279C>T), located in coding exon 15 of the CBL gene, results from a C to T substitution at nucleotide position 2279. The alanine at codon 760 is replaced by valine, an amino acid with similar properties. This amino acid position is conserved. In addition, this alteration is predicted to be tolerated by in silico analysis. Based on the available evidence, the clinical significance of this variant remains unclear.